The following is an entry in ClinVar:

ClinVar aggregate classification (germline): Likely pathogenic (1 of 4 stars; one submission).

Conditions:
Emery-Dreifuss muscular dystrophy 1, X-linked (EDMD1). Also called: Muscular dystrophy, tardive, Dreifuss-Emery type, with contractures; SCAPULOPERONEAL SYNDROME, X-LINKED; HUMEROPERONEAL NEUROMUSCULAR DISEASE; EMD-Related Emery-Dreifuss Muscular Dystrophy, X-Linked. Identifiers: MedGen CN375556, MONDO:0100531, OMIM 310300.

Submission:

Illumina Laboratory Services, Illumina
Classification: Likely pathogenic for Emery-Dreifuss muscular dystrophy 1, X-linked. Last evaluated: 2023-08-15. Review status: criteria provided, single submitter. Criteria: ICSLVariantClassificationCriteria RUGD 01 April 2020. Collection method: clinical testing. Allele origin: unknown.
Comment: The EMD c.441C>A p.(Cys147Ter) nonsense variant results in the loss of normal protein function through either protein truncation or nonsense-mediated mRNA decay. This variant is not observed in version 2.1.1 or version 3.1.2 of the Genome Aggregation Database. Based on the available evidence, the c.441C>A p.(Cys147Ter) variant is classified as likely pathogenic for Emery-Dreifuss muscular dystrophy.

NM_000117.3(EMD):c.441C>A (p.Cys147Ter)

Gene: EMD (emerin; plus strand). Cytogenetic location: Xq28.
Variant type: single nucleotide variant.
Coding change: c.441C>A on transcript NM_000117.3 (MANE Select); coding-DNA position 441, C replaced by A.
Protein change: p.Cys147Ter; replaces cysteine 147 with a stop codon.
Molecular consequence: nonsense.
Genome position (GRCh38, 1-based): chrX:154,380,794, C>A. VCF-style: chrX-154380794-C-A. GRCh37 (hg19) VCF-style: chrX-153609154-C-A.
Other names: short protein forms C147*.
Identifiers: ClinVar variation 2627908 (VCV002627908.1), dbSNP rs2522789929, ClinGen allele CA415258322.